The following is an entry in ClinVar:

ClinVar aggregate classification (germline): Conflicting classifications of pathogenicity. Review status: criteria provided, conflicting classifications (1 of 4 stars). 5 submissions from 5 submitters: Uncertain significance (4); Likely benign (1). Last evaluated 2024-08-08.

Conditions:
Inborn genetic diseases. Identifiers: MedGen C0950123, MeSH D030342.
Vanishing white matter disease. Also called: CACH syndrome; Childhood ataxia with diffuse central nervous system hypomyelination; Leukoencephalopathy with vanishing white matter; CACH/VWM syndrome; Cree leukoencehalopathy. Identifiers: Orphanet 135, Orphanet 99853, MedGen C1858991, MONDO:0800448.

Allele frequency attached by ClinVar (database versions not stated): ExAC 0.00001; gnomAD exomes 0.00003 and 0.00005; ESP Exome Variant Server 0.00008; TOPMed 0.00008; gnomAD 0.00010 and 0.00011.
gnomAD v4.1: 88 of 1,614,044 alleles (0.0055%); highest among the groups gnomAD compares: Admixed American, 0.015%; no homozygotes.

Submissions (5):

Labcorp Genetics (formerly Invitae), Labcorp
Classification: Uncertain significance. Last evaluated: 2024-08-08. Review status: criteria provided, single submitter. Criteria: Invitae Variant Classification Sherloc (09022015). Collection method: clinical testing. Allele origin: germline.
Comment: This sequence change replaces arginine, which is basic and polar, with glutamine, which is neutral and polar, at codon 422 of the EIF2B5 protein (p.Arg422Gln). This variant is present in population databases (rs372497906, gnomAD 0.005%). This variant has not been reported in the literature in individuals affected with EIF2B5-related conditions. ClinVar contains an entry for this variant (Variation ID: 560269). Advanced modeling of protein sequence and biophysical properties (such as structural, functional, and spatial information, amino acid conservation, physicochemical variation, residue mobility, and thermodynamic stability) performed at Invitae indicates that this missense variant is not expected to disrupt EIF2B5 protein function with a negative predictive value of 80%. In summary, the available evidence is currently insufficient to determine the role of this variant in disease. Therefore, it has been classified as a Variant of Uncertain Significance.

Ambry Genetics
Classification: Likely benign for Inborn genetic diseases. Last evaluated: 2021-10-20. Review status: criteria provided, single submitter. Criteria: Ambry Variant Classification Scheme 2023. Collection method: clinical testing. Allele origin: germline.

Baylor Genetics
Classification: Uncertain significance for Leukoencephalopathy with vanishing white matter 1. Last evaluated: 2018-03-16. Review status: criteria provided, single submitter. Criteria: ACMG Guidelines, 2015. Collection method: clinical testing. Allele origin: unknown. Affected: yes.
Comment: This variant was determined to be of uncertain significance according to ACMG Guidelines, 2015 [PMID:25741868].

Illumina Laboratory Services, Illumina
Classification: Uncertain significance for Leukoencephalopathy with vanishing white matter 1. Last evaluated: 2018-01-13. Review status: criteria provided, single submitter. Criteria: ICSL Variant Classification Criteria 13 December 2019. Collection method: clinical testing. Allele origin: germline.

Geisinger Autism and Developmental Medicine Institute, Geisinger Health System
Classification: Uncertain significance for Leukoencephalopathy with vanishing white matter 1. Last evaluated: 2017-08-10. Review status: criteria provided, single submitter. Criteria: ACMG Guidelines, 2015. Collection method: provider interpretation, clinical testing. Allele origin: maternal. Observed: 1 variant allele.
Comment: The p.Arg422Gln variant is present in gnomAD at 0.005% in the European Non-Finnish population and computational models predict this variant is not likely to alter the protein structure/function. Additionally, whole exome sequencing also identified two additional variants of uncertain significance.

Literature cited by the submitters: PubMed 22699478 (cited by Geisinger Autism and Developmental Medicine Institute, Geisinger Health System); PubMed 12707859 (cited by Geisinger Autism and Developmental Medicine Institute, Geisinger Health System).

NM_003907.3(EIF2B5):c.1265G>A (p.Arg422Gln)

Gene: EIF2B5 (eukaryotic translation initiation factor 2B subunit epsilon; plus strand). Cytogenetic location: 3q27.1.
Variant type: single nucleotide variant.
Coding change: c.1265G>A on transcript NM_003907.3 (MANE Select); coding-DNA position 1265, G replaced by A.
Protein change: p.Arg422Gln; replaces arginine 422 with glutamine.
Molecular consequence: missense variant.
Genome position (GRCh38, 1-based): chr3:184,142,033, G>A. VCF-style: chr3-184142033-G-A. GRCh37 (hg19) VCF-style: chr3-183859821-G-A.
Other names: short protein forms R422Q.
Identifiers: ClinVar variation 560269 (VCV000560269.11), dbSNP rs372497906, ClinGen allele CA2726629.